The following is an entry in ClinVar:

NM_000179.3(MSH6):c.926C>T (p.Ser309Phe)

Gene: MSH6 (mutS homolog 6; plus strand). Cytogenetic location: 2p16.3.
Variant type: single nucleotide variant.
Coding change: c.926C>T on transcript NM_000179.3 (MANE Select); coding-DNA position 926, C replaced by T.
Protein change: p.Ser309Phe; replaces serine 309 with phenylalanine.
Molecular consequence: missense variant.
Genome position (GRCh38, 1-based): chr2:47,798,909, C>T. VCF-style: chr2-47798909-C-T. GRCh37 (hg19) VCF-style: chr2-48026048-C-T.
Other names: c.536C>T, p.Ser179Phe (NM_001281492.2); c.20C>T, p.Ser7Phe (NM_001281493.2, NM_001281494.2); short protein forms S309F, S179F, S7F.
Identifiers: ClinVar variation 231944 (VCV000231944.18), dbSNP rs544222338, ClinGen allele CA073584.

ClinVar aggregate classification (germline): Conflicting classifications of pathogenicity. Review status: criteria provided, conflicting classifications (1 of 4 stars). 5 submissions from 5 submitters: Uncertain significance (4); Likely benign (1). Last evaluated 2025-11-21.

Conditions:
Hereditary nonpolyposis colorectal neoplasms. Identifiers: MedGen C0009405, MeSH D003123.
Hereditary cancer-predisposing syndrome. Also called: Neoplastic Syndromes, Hereditary; Tumor predisposition; Hereditary Cancer Syndrome; Hereditary neoplastic syndrome. Identifiers: Orphanet 140162, MedGen C0027672, MeSH D009386, MONDO:0015356.
Endometrial carcinoma. Also called: Endometrial carcinoma, somatic. Identifiers: MedGen C0476089, MONDO:0002447, OMIM 608089, HP:0012114.

Allele frequency attached by ClinVar (database versions not stated): TOPMed 0.00002.
gnomAD v4.1: 25 of 1,614,042 alleles (0.0015%); highest among the groups gnomAD compares: Non-Finnish European, 0.002%; no homozygotes.

Submissions (5):

Labcorp Genetics (formerly Invitae), Labcorp
Classification: Likely benign for Hereditary nonpolyposis colorectal neoplasms. Last evaluated: 2025-11-21. Review status: criteria provided, single submitter. Criteria: Invitae Variant Classification Sherloc (09022015). Collection method: clinical testing. Allele origin: germline.

Center for Genomic Medicine, Rigshospitalet, Copenhagen University Hospital
Classification: Uncertain significance. Last evaluated: 2025-03-04. Review status: criteria provided, single submitter. Criteria: ACMG Guidelines, 2015. Collection method: clinical testing. Allele origin: germline.

Ambry Genetics
Classification: Uncertain significance for Hereditary cancer-predisposing syndrome. Last evaluated: 2024-10-14. Review status: criteria provided, single submitter. Criteria: Ambry Variant Classification Scheme 2023. Collection method: clinical testing. Allele origin: germline.
Comment: The p.S309F variant (also known as c.926C>T), located in coding exon 4 of the MSH6 gene, results from a C to T substitution at nucleotide position 926. The serine at codon 309 is replaced by phenylalanine, an amino acid with highly dissimilar properties. This variant was identified in a patient with breast and ovarian cancer as part of a large Canadian cohort study of 2870 individuals (Bhai P et al. Front Genet, 2021 Jul;12:698595). This amino acid position is not well conserved in available vertebrate species. In addition, the in silico prediction for this alteration is inconclusive. Based on the available evidence, the clinical significance of this variant remains unclear.

Color Diagnostics, LLC DBA Color Health
Classification: Uncertain significance for Hereditary cancer-predisposing syndrome. Last evaluated: 2024-08-19. Review status: criteria provided, single submitter. Criteria: ACMG Guidelines, 2015. Collection method: clinical testing. Allele origin: germline.
Comment: This missense variant replaces serine with phenylalanine at codon 309 of the MSH6 protein. Computational prediction suggests that this variant may not impact protein structure and function (internally defined REVEL score threshold <= 0.5, PMID: 27666373). To our knowledge, functional studies have not been reported for this variant. This variant has not been reported in individuals affected with MSH6-related disorders in the literature. This variant has been identified in 2/251308 chromosomes in the general population by the Genome Aggregation Database (gnomAD). The available evidence is insufficient to determine the role of this variant in disease conclusively. Therefore, this variant is classified as a Variant of Uncertain Significance.

Baylor Genetics
Classification: Uncertain significance for Endometrial carcinoma. Last evaluated: 2023-09-26. Review status: criteria provided, single submitter. Criteria: ACMG Guidelines, 2015. Collection method: clinical testing. Allele origin: unknown.

Literature cited by the submitters: PubMed 34326862 (cited by Ambry Genetics).